The following is an entry in ClinVar:

NM_020461.4(TUBGCP6):c.1268A>G (p.Tyr423Cys)

Gene: TUBGCP6 (tubulin gamma complex component 6; minus strand). Cytogenetic location: 22q13.33.
Variant type: single nucleotide variant.
Coding change: c.1268A>G on transcript NM_020461.4 (MANE Select); coding-DNA position 1268, A replaced by G.
Protein change: p.Tyr423Cys; replaces tyrosine 423 with cysteine.
Molecular consequence: missense variant.
Genome position (GRCh38, 1-based): chr22:50,229,426, T>C on the plus strand (A>G on the coding strand, the complement: TUBGCP6 is on the minus strand). VCF-style: chr22-50229426-T-C. GRCh37 (hg19) VCF-style: chr22-50667855-T-C.
Other names: short protein forms Y423C.
Identifiers: ClinVar variation 957100 (VCV000957100.9), dbSNP rs903841768, ClinGen allele CA325469524.

ClinVar aggregate classification (germline): Uncertain significance (1 of 4 stars; one submission).

Allele frequency attached by ClinVar (database versions not stated): gnomAD exomes below 0.00001; gnomAD 0.00001; TOPMed 0.00001.
gnomAD v4.1: 3 of 1,613,550 alleles (0.00019%); highest among the groups gnomAD compares: African/African-American, 0.004%; no homozygotes.

Submission:

Labcorp Genetics (formerly Invitae), Labcorp
Classification: Uncertain significance. Last evaluated: 2020-10-09. Review status: criteria provided, single submitter. Criteria: Invitae Variant Classification Sherloc (09022015). Collection method: clinical testing. Allele origin: germline.
Comment: In summary, the available evidence is currently insufficient to determine the role of this variant in disease. Therefore, it has been classified as a Variant of Uncertain Significance. Algorithms developed to predict the effect of missense changes on protein structure and function output the following: SIFT: "Tolerated"; PolyPhen-2: "Benign"; Align-GVGD: "Class C0". The cysteine amino acid residue is found in multiple mammalian species, suggesting that this missense change does not adversely affect protein function. These predictions have not been confirmed by published functional studies and their clinical significance is uncertain. This variant has not been reported in the literature in individuals with TUBGCP6-related conditions. This variant is not present in population databases (ExAC no frequency). This sequence change replaces tyrosine with cysteine at codon 423 of the TUBGCP6 protein (p.Tyr423Cys). The tyrosine residue is weakly conserved and there is a large physicochemical difference between tyrosine and cysteine.